The following is an entry in ClinVar:

ClinVar aggregate classification (germline): Uncertain significance (1 of 4 stars; one submission).

Conditions:
Hereditary cancer-predisposing syndrome. Also called: Tumor predisposition; Neoplastic Syndromes, Hereditary; Hereditary neoplastic syndrome; Hereditary Cancer Syndrome. Identifiers: Orphanet 140162, MedGen C0027672, MeSH D009386, MONDO:0015356.

Submission:

Ambry Genetics
Classification: Uncertain significance for Hereditary cancer-predisposing syndrome. Last evaluated: 2025-08-27. Review status: criteria provided, single submitter. Criteria: Ambry Variant Classification Scheme 2023. Collection method: clinical testing. Allele origin: germline.
Comment: The p.N43I variant (also known as c.128A>T), located in coding exon 2 of the MUTYH gene, results from an A to T substitution at nucleotide position 128. The asparagine at codon 43 is replaced by isoleucine, an amino acid with dissimilar properties. This amino acid position is conserved. In addition, this alteration is predicted to be tolerated by in silico analysis. Based on the available evidence, the clinical significance of this variant remains unclear.

NM_001048174.2(MUTYH):c.86A>T (p.Asn29Ile)

Gene: MUTYH (mutY DNA glycosylase; minus strand). Cytogenetic location: 1p34.1.
Variant type: single nucleotide variant.
Coding change: c.86A>T on transcript NM_001048174.2 (MANE Select); coding-DNA position 86, A replaced by T.
Protein change: p.Asn29Ile; replaces asparagine 29 with isoleucine.
Molecular consequence: missense variant. On other transcripts: non-coding transcript variant (7), 5 prime UTR variant (7).
Genome position (GRCh38, 1-based): chr1:45,334,420, T>A on the plus strand (A>T on the coding strand, the complement: MUTYH is on the minus strand). VCF-style: chr1-45334420-T-A. GRCh37 (hg19) VCF-style: chr1-45800092-T-A.
Other names: c.86A>T, p.Asn29Ile (NM_001048171.2, NM_001048172.2, NM_001048173.2 and 15 more transcripts); c.128A>T, p.Asn43Ile (NM_001128425.2, NM_001293190.2, NM_001407069.1 and 2 more transcripts); c.-127A>T (NM_001293192.2, NM_001293196.2, NM_001407091.1); c.-186A>T (NM_001350650.2); c.-122A>T (NM_001350651.2, NM_001407082.1); c.-71A>T (NM_001407075.1); c.104A>T, p.Asn35Ile (NM_001407087.1); short protein forms N29I, N43I, N35I.
Identifiers: ClinVar variation 4113153 (VCV004113153.1).